The following is an entry in ClinVar:

ClinVar aggregate classification (germline): Uncertain significance (1 of 4 stars; one submission).

Conditions:
Mucopolysaccharidosis, MPS-II (MPS2). Also called: IDS deficiency; Sulfoiduronate sulfatase deficiency; SIDS deficiency; Mucopolysaccharidosis with skin involvement; Mucopolysaccharidosis type 2; Attenuated MPS (subtype; formerly known as mild MPS II). Identifiers: Orphanet 580, Orphanet 79388, MedGen C0026705, MONDO:0010674, OMIM 309900.

Submission:

Labcorp Genetics (formerly Invitae), Labcorp
Classification: Uncertain significance for Mucopolysaccharidosis, MPS-II. Last evaluated: 2021-12-02. Review status: criteria provided, single submitter. Criteria: Invitae Variant Classification Sherloc (09022015). Collection method: clinical testing. Allele origin: germline.
Comment: In summary, the available evidence is currently insufficient to determine the role of this variant in disease. Therefore, it has been classified as a Variant of Uncertain Significance. Advanced modeling of protein sequence and biophysical properties (such as structural, functional, and spatial information, amino acid conservation, physicochemical variation, residue mobility, and thermodynamic stability) performed at Invitae indicates that this missense variant is expected to disrupt IDS protein function. This variant has not been reported in the literature in individuals affected with IDS-related conditions. This variant is not present in population databases (gnomAD no frequency). This sequence change replaces tyrosine, which is neutral and polar, with serine, which is neutral and polar, at codon 128 of the IDS protein (p.Tyr128Ser).

NM_000202.8(IDS):c.383A>C (p.Tyr128Ser)

Gene: IDS (iduronate 2-sulfatase; minus strand). Cytogenetic location: Xq28.
Variant type: single nucleotide variant.
Coding change: c.383A>C on transcript NM_000202.8 (MANE Select); coding-DNA position 383, A replaced by C.
Protein change: p.Tyr128Ser; replaces tyrosine 128 with serine.
Molecular consequence: missense variant. On other transcripts: non-coding transcript variant (1).
Genome position (GRCh38, 1-based): chrX:149,503,347, T>G on the plus strand (A>C on the coding strand, the complement: IDS is on the minus strand). VCF-style: chrX-149503347-T-G. GRCh37 (hg19) VCF-style: chrX-148584877-T-G.
Other names: c.113A>C, p.Tyr38Ser (NM_001166550.4); c.383A>C, p.Tyr128Ser (NM_006123.5); short protein forms Y128S, Y38S.
Identifiers: ClinVar variation 1447387 (VCV001447387.6), dbSNP rs2124063021, ClinGen allele CA414525798.